The following is an entry in ClinVar:

ClinVar aggregate classification (germline): Uncertain significance. Review status: criteria provided, multiple submitters, no conflicts (2 of 4 stars). 2 submissions from 2 submitters: Uncertain significance (2). Last evaluated 2025-11-03.

Conditions:
Hereditary cancer-predisposing syndrome. Also called: Tumor predisposition; Hereditary neoplastic syndrome; Neoplastic Syndromes, Hereditary; Hereditary Cancer Syndrome. Identifiers: Orphanet 140162, MedGen C0027672, MeSH D009386, MONDO:0015356.

Allele frequency attached by ClinVar (database versions not stated): gnomAD 0.00002 and 0.00003; gnomAD exomes 0.00002; ExAC 0.00003; TOPMed 0.00004.
gnomAD v4.1: 17 of 1,614,040 alleles (0.0011%); highest among the groups gnomAD compares: East Asian, 0.0089%; no homozygotes.

Submissions (2):

Ambry Genetics
Classification: Uncertain significance for Hereditary cancer-predisposing syndrome. Last evaluated: 2025-11-03. Review status: criteria provided, single submitter. Criteria: Ambry Variant Classification Scheme 2023. Collection method: clinical testing. Allele origin: germline.
Comment: The p.T129I variant (also known as c.386C>T), located in coding exon 3 of the XRCC2 gene, results from a C to T substitution at nucleotide position 386. The threonine at codon 129 is replaced by isoleucine, an amino acid with similar properties. This amino acid position is highly conserved in available vertebrate species. In addition, the in silico prediction for this alteration is inconclusive. Since supporting evidence is limited at this time, the clinical significance of this alteration remains unclear.

Labcorp Genetics (formerly Invitae), Labcorp
Classification: Uncertain significance. Last evaluated: 2024-06-10. Review status: criteria provided, single submitter. Criteria: Invitae Variant Classification Sherloc (09022015). Collection method: clinical testing. Allele origin: germline.
Comment: This sequence change replaces threonine, which is neutral and polar, with isoleucine, which is neutral and non-polar, at codon 129 of the XRCC2 protein (p.Thr129Ile). This variant is present in population databases (rs758914269, gnomAD 0.02%). This variant has not been reported in the literature in individuals affected with XRCC2-related conditions. ClinVar contains an entry for this variant (Variation ID: 665591). Advanced modeling of protein sequence and biophysical properties (such as structural, functional, and spatial information, amino acid conservation, physicochemical variation, residue mobility, and thermodynamic stability) performed at Invitae indicates that this missense variant is not expected to disrupt XRCC2 protein function with a negative predictive value of 80%. In summary, the available evidence is currently insufficient to determine the role of this variant in disease. Therefore, it has been classified as a Variant of Uncertain Significance.

NM_005431.2(XRCC2):c.386C>T (p.Thr129Ile)

Gene: XRCC2 (X-ray repair cross complementing 2; minus strand). Cytogenetic location: 7q36.1.
Variant type: single nucleotide variant.
Coding change: c.386C>T on transcript NM_005431.2 (MANE Select); coding-DNA position 386, C replaced by T.
Protein change: p.Thr129Ile; replaces threonine 129 with isoleucine.
Molecular consequence: missense variant.
Genome position (GRCh38, 1-based): chr7:152,649,099, G>A on the plus strand (C>T on the coding strand, the complement: XRCC2 is on the minus strand). VCF-style: chr7-152649099-G-A. GRCh37 (hg19) VCF-style: chr7-152346184-G-A.
Other names: short protein forms T129I.
Identifiers: ClinVar variation 665591 (VCV000665591.10), dbSNP rs758914269, ClinGen allele CA4582349.